The following is an entry in ClinVar:

NM_001283009.2(RTEL1):c.2870G>C (p.Arg957Pro)

Genes: RTEL1 (regulator of telomere elongation helicase 1; plus strand), RTEL1-TNFRSF6B (RTEL1-TNFRSF6B readthrough (NMD candidate); plus strand). Cytogenetic location: 20q13.33.
Variant type: single nucleotide variant.
Coding change: c.2870G>C on transcript NM_001283009.2 (MANE Select); coding-DNA position 2870, G replaced by C.
Protein change: p.Arg957Pro; replaces arginine 957 with proline.
Molecular consequence: missense variant. On other transcripts: non-coding transcript variant (1).
Genome position (GRCh38, 1-based): chr20:63,693,161, G>C. VCF-style: chr20-63693161-G-C. GRCh37 (hg19) VCF-style: chr20-62324514-G-C.
Other names: c.2201G>C, p.Arg734Pro (NM_001283010.1); c.2870G>C, p.Arg957Pro (NM_016434.4); c.2942G>C, p.Arg981Pro (NM_032957.5); short protein forms R734P, R957P, R981P.
Identifiers: ClinVar variation 1718270 (VCV001718270.6), dbSNP rs753270617, ClinGen allele CA409683205.

ClinVar aggregate classification (germline): Uncertain significance (1 of 4 stars; one submission).

Conditions:
Pulmonary fibrosis and/or bone marrow failure, Telomere-related, 3. Also called: PULMONARY FIBROSIS AND/OR BONE MARROW FAILURE SYNDROME, TELOMERE-RELATED, 3. Identifiers: Orphanet 2032, MedGen C4225346, MONDO:0014613, OMIM 616373.
Dyskeratosis congenita, autosomal recessive 5 (DKCB5). Identifiers: MedGen C3554656, MONDO:0014076, OMIM 615190.

gnomAD v4.1: 2 of 1,612,168 alleles (0.00012%); highest among the groups gnomAD compares: Admixed American, 0.0017%; no homozygotes.

Submission:

Labcorp Genetics (formerly Invitae), Labcorp
Classification: Uncertain significance for Dyskeratosis congenita, autosomal recessive 5; Pulmonary fibrosis and/or bone marrow failure, Telomere-related, 3. Last evaluated: 2023-12-11. Review status: criteria provided, single submitter. Criteria: Invitae Variant Classification Sherloc (09022015). Collection method: clinical testing. Allele origin: germline.
Comment: This sequence change replaces arginine, which is basic and polar, with proline, which is neutral and non-polar, at codon 957 of the RTEL1 protein (p.Arg957Pro). This variant is not present in population databases (gnomAD no frequency). This variant has not been reported in the literature in individuals affected with RTEL1-related conditions. ClinVar contains an entry for this variant (Variation ID: 1718270). An algorithm developed to predict the effect of missense changes on protein structure and function (PolyPhen-2) suggests that this variant is likely to be disruptive. In summary, the available evidence is currently insufficient to determine the role of this variant in disease. Therefore, it has been classified as a Variant of Uncertain Significance.